The following is an entry in ClinVar:

NM_001376.5(DYNC1H1):c.12103-15C>T

Gene: DYNC1H1 (dynein cytoplasmic 1 heavy chain 1; plus strand). Cytogenetic location: 14q32.31.
Variant type: single nucleotide variant.
Coding change: c.12103-15C>T on transcript NM_001376.5 (MANE Select); 15 bases into the intron before coding-DNA position 12103, C replaced by T.
Molecular consequence: intron variant.
Genome position (GRCh38, 1-based): chr14:102,041,998, C>T. VCF-style: chr14-102041998-C-T. GRCh37 (hg19) VCF-style: chr14-102508335-C-T.
Identifiers: ClinVar variation 513379 (VCV000513379.8), dbSNP rs373801313, ClinGen allele CA7353835.

ClinVar aggregate classification (germline): Likely benign. Review status: criteria provided, multiple submitters, no conflicts (2 of 4 stars). 2 submissions from 2 submitters: Likely benign (2). Last evaluated 2025-12-24.

Conditions:
Charcot-Marie-Tooth disease axonal type 2O. Also called: Charcot-Marie-Tooth disease, axonal, type 20; CHARCOT-MARIE-TOOTH NEUROPATHY, AXONAL, TYPE 2O; CHARCOT-MARIE-TOOTH DISEASE, AXONAL, AUTOSOMAL DOMINANT, TYPE 2O; Charcot-Marie-Tooth Neuropathy Type 2O. Identifiers: Orphanet 284232, MedGen C3280220, MONDO:0013644, OMIM 614228.

Allele frequency attached by ClinVar (database versions not stated): gnomAD exomes 0.00002 and 0.00004; ExAC 0.00004; ESP Exome Variant Server 0.00008; gnomAD 0.00010 and 0.00013; TOPMed 0.00016.
gnomAD v4.1: 43 of 1,613,486 alleles (0.0027%); highest among the groups gnomAD compares: African/African-American, 0.052%; no homozygotes.

Submissions (2):

Labcorp Genetics (formerly Invitae), Labcorp
Classification: Likely benign for Charcot-Marie-Tooth disease axonal type 2O. Last evaluated: 2025-12-24. Review status: criteria provided, single submitter. Criteria: Invitae Variant Classification Sherloc (09022015). Collection method: clinical testing. Allele origin: germline.

GeneDx
Classification: Likely benign. Last evaluated: 2017-11-14. Review status: criteria provided, single submitter. Criteria: GeneDx Variant Classification (06012015). Collection method: clinical testing. Allele origin: germline. Affected: yes.
Comment: This variant is considered likely benign or benign based on one or more of the following criteria: it is a conservative change, it occurs at a poorly conserved position in the protein, it is predicted to be benign by multiple in silico algorithms, and/or has population frequency not consistent with disease.